The following is an entry in ClinVar:

ClinVar aggregate classification (germline): Uncertain significance (1 of 4 stars; one submission).

Conditions:
Thrombocytopenia 1. Also called: THROMBOCYTOPENIA, X-LINKED, 1; X-Linked Thrombocytopenia (XLT); X-linked thrombocytopenia with normal platelets. Identifiers: Orphanet 268322, Orphanet 852, MedGen C1839163, MONDO:0010743, OMIM 313900.
Wiskott-Aldrich syndrome (WAS). Also called: ALDRICH SYNDROME; IMMUNODEFICIENCY 2; WISKOTT-ALDRICH SYNDROME 1; Wiskott-aldrich syndrome, somatic. Identifiers: Orphanet 906, MedGen C0043194, MONDO:0010518, OMIM 301000.
X-linked severe congenital neutropenia (SCNX). Identifiers: Orphanet 86788, MedGen C1845987, MONDO:0010294, OMIM 300299.

Submission:

Labcorp Genetics (formerly Invitae), Labcorp
Classification: Uncertain significance for Wiskott-Aldrich syndrome; X-linked severe congenital neutropenia; Thrombocytopenia 1. Last evaluated: 2024-05-08. Review status: criteria provided, single submitter. Criteria: Invitae Variant Classification Sherloc (09022015). Collection method: clinical testing. Allele origin: germline.
Comment: This sequence change replaces proline, which is neutral and non-polar, with leucine, which is neutral and non-polar, at codon 448 of the WAS protein (p.Pro448Leu). This variant is not present in population databases (gnomAD no frequency). This variant has not been reported in the literature in individuals affected with WAS-related conditions. Advanced modeling of protein sequence and biophysical properties (such as structural, functional, and spatial information, amino acid conservation, physicochemical variation, residue mobility, and thermodynamic stability) performed at Invitae indicates that this missense variant is not expected to disrupt WAS protein function with a negative predictive value of 80%. In summary, the available evidence is currently insufficient to determine the role of this variant in disease. Therefore, it has been classified as a Variant of Uncertain Significance.

NM_000377.3(WAS):c.1343C>T (p.Pro448Leu)

Gene: WAS (WASP actin nucleation promoting factor; plus strand). Cytogenetic location: Xp11.23.
Variant type: single nucleotide variant.
Coding change: c.1343C>T on transcript NM_000377.3 (MANE Select); coding-DNA position 1343, C replaced by T.
Protein change: p.Pro448Leu; replaces proline 448 with leucine.
Molecular consequence: missense variant.
Genome position (GRCh38, 1-based): chrX:48,689,324, C>T. VCF-style: chrX-48689324-C-T. GRCh37 (hg19) VCF-style: chrX-48547713-C-T.
Other names: short protein forms P448L.
Identifiers: ClinVar variation 3758261 (VCV003758261.2).
Genomic context (GRCh38, chrX:48,689,324, plus strand): 5'-AGAAATGCTCCTTTCCCAGGCCCTAAGCCCTCTGTGCTGATCCCTGCCTGCTGCAGACCC[C>T]TGGGGCCCCAGAGAGCTCAGCGCTGCAGCCACCACCTCAGAGCTCAGAGGGACTGGTGGG-3'
Protein context (NP_000368.1, residues 438-458): IRQGIQLNKT[Pro448Leu]GAPESSALQP